The following is an entry in ClinVar:

NM_194454.3(KRIT1):c.1565T>C (p.Ile522Thr)

Gene: KRIT1 (KRIT1 ankyrin repeat containing; minus strand). Cytogenetic location: 7q21.2.
Variant type: single nucleotide variant.
Coding change: c.1565T>C on transcript NM_194454.3 (MANE Select); coding-DNA position 1565, T replaced by C.
Protein change: p.Ile522Thr; replaces isoleucine 522 with threonine.
Molecular consequence: missense variant.
Genome position (GRCh38, 1-based): chr7:92,214,776, A>G on the plus strand (T>C on the coding strand, the complement: KRIT1 is on the minus strand). VCF-style: chr7-92214776-A-G. GRCh37 (hg19) VCF-style: chr7-91844090-A-G.
Other names: c.1565T>C, p.Ile522Thr (NM_194456.1, NM_001350672.1, NM_001350673.1 and 26 more transcripts); c.1421T>C, p.Ile474Thr (NM_001013406.2, NM_001350669.1, NM_001350670.1); c.851T>C, p.Ile284Thr (NM_001350671.1); short protein forms I284T, I474T, I522T.
Identifiers: ClinVar variation 872943 (VCV000872943.3), dbSNP rs758188972, ClinGen allele CA4339073.

ClinVar aggregate classification (germline): Uncertain significance. Review status: criteria provided, single submitter (1 of 4 stars). 2 submissions from 2 submitters: Uncertain significance (1). 1 of the submissions does not count toward it. Last evaluated 2024-02-21.

Conditions:
Vascular dementia. Identifiers: MedGen C0011269, MeSH D015140, MONDO:0004648.

Allele frequency attached by ClinVar (database versions not stated): gnomAD exomes below 0.00001; ExAC 0.00001; gnomAD 0.00001; TOPMed 0.00002.
gnomAD v4.1: 5 of 1,587,108 alleles (0.00032%); highest among the groups gnomAD compares: African/African-American, 0.0013%; no homozygotes.

Submissions (2):

GeneDx
Classification: Uncertain significance. Last evaluated: 2024-02-21. Review status: criteria provided, single submitter. Criteria: GeneDx Variant Classification Process June 2021. Collection method: clinical testing. Allele origin: germline. Affected: yes.
Comment: Identified heterozygous by whole exome sequencing in an individual with suspected cerebral small vessel disease, vascular dementia, and hypertension (PMID: 33268848); Not observed at significant frequency in large population cohorts (gnomAD); In silico analysis supports that this missense variant has a deleterious effect on protein structure/function; This variant is associated with the following publications: (PMID: 33268848)

Myllykangas group, University of Helsinki
Classification: Uncertain significance for Vascular dementia. Last evaluated: 2020-04-01. Review status: no assertion criteria provided. Collection method: research. Allele origin: germline. Affected: yes. Not counted in ClinVar's aggregate classification.

Literature cited by the submitters: PubMed 33268848 (cited by Myllykangas group, University of Helsinki).